The following is an entry in ClinVar:

ClinVar aggregate classification (germline): Uncertain significance (1 of 4 stars; one submission).

Conditions:
Glycine encephalopathy. Also called: Nonketotic hyperglycinemia; Non-ketotic hyperglycinemia. Identifiers: Orphanet 407, MedGen C0751748, MONDO:0011612, HP:0008288.

Submission:

Labcorp Genetics (formerly Invitae), Labcorp
Classification: Uncertain significance for Glycine encephalopathy. Last evaluated: 2024-01-06. Review status: criteria provided, single submitter. Criteria: Invitae Variant Classification Sherloc (09022015). Collection method: clinical testing. Allele origin: germline.
Comment: This sequence change replaces methionine, which is neutral and non-polar, with valine, which is neutral and non-polar, at codon 731 of the GLDC protein (p.Met731Val). This variant is not present in population databases (gnomAD no frequency). This variant has not been reported in the literature in individuals affected with GLDC-related conditions. ClinVar contains an entry for this variant (Variation ID: 1517615). Advanced modeling of protein sequence and biophysical properties (such as structural, functional, and spatial information, amino acid conservation, physicochemical variation, residue mobility, and thermodynamic stability) performed at Invitae indicates that this missense variant is expected to disrupt GLDC protein function with a positive predictive value of 80%. In summary, the available evidence is currently insufficient to determine the role of this variant in disease. Therefore, it has been classified as a Variant of Uncertain Significance.

NM_000170.3(GLDC):c.2191A>G (p.Met731Val)

Gene: GLDC (glycine decarboxylase; minus strand). Cytogenetic location: 9p24.1.
Variant type: single nucleotide variant.
Coding change: c.2191A>G on transcript NM_000170.3 (MANE Select); coding-DNA position 2191, A replaced by G.
Protein change: p.Met731Val; replaces methionine 731 with valine.
Molecular consequence: missense variant.
Genome position (GRCh38, 1-based): chr9:6,556,164, T>C on the plus strand (A>G on the coding strand, the complement: GLDC is on the minus strand). VCF-style: chr9-6556164-T-C. GRCh37 (hg19) VCF-style: chr9-6556164-T-C.
Other names: short protein forms M731V.
Identifiers: ClinVar variation 1517615 (VCV001517615.6), dbSNP rs545419197, ClinGen allele CA372881180.
Genomic context (GRCh38, chr9:6,556,164, plus strand): 5'-ATATCCATTTTCTCAGTGGGAACTAAGGGCGGGCCTCTTCAGTTCCCACCTGAGCATTCA[T>C]ATTTGCCCCGTCTAGGTAGACCTGTCCTCCATGTTGATGGATGAGGTCACACACGTCACT-3'
Protein context (NP_000161.2, residues 721-741): GGQVYLDGAN[Met731Val]NAQVGICRPG